The following is an entry in ClinVar:

NM_001195305.3(BBIP1):c.207G>C (p.Met69Ile)

Gene: BBIP1 (BBSome interacting protein 1; minus strand). Cytogenetic location: 10q25.2.
Variant type: single nucleotide variant.
Coding change: c.207G>C on transcript NM_001195305.3 (MANE Select); coding-DNA position 207, G replaced by C.
Protein change: p.Met69Ile; replaces methionine 69 with isoleucine.
Molecular consequence: missense variant. On other transcripts: 3 prime UTR variant (1).
Genome position (GRCh38, 1-based): chr10:110,900,432, C>G on the plus strand (G>C on the coding strand, the complement: BBIP1 is on the minus strand). VCF-style: chr10-110900432-C-G. GRCh37 (hg19) VCF-style: chr10-112660190-C-G.
Other names: c.*52G>C (NM_001195304.2); c.207G>C, p.Met69Ile (NM_001195306.2); c.132G>C, p.Met44Ile (NM_001195307.2); c.141G>C, p.Met47Ile (NM_001243783.3); short protein forms M69I, M44I, M47I.
Identifiers: ClinVar variation 4720049 (VCV004720049.1).
Genomic context (GRCh38, chr10:110,900,432, plus strand): 5'-TTGCCGTTGATCCTTTTCTGCCATTTCTTGTTGGCGAATTGTATTCTGTGCTGCTTGATG[C>G]ATTTTCTCTAGTTTTTCCAGAGTCAGAGATTTTAAGGGTAAAAGTTTGGGTTTACACAGC-3'
Protein context (NP_001182234.1, residues 59-79): KSLTLEKLEK[Met69Ile]HQAAQNTIRQ

ClinVar aggregate classification (germline): Uncertain significance (1 of 4 stars; one submission).

gnomAD v4.1: 1 of 1,535,870 alleles (0.000065%); highest among the groups gnomAD compares: East Asian, 0.0024%; no homozygotes.

Submission:

Labcorp Genetics (formerly Invitae), Labcorp
Classification: Uncertain significance. Last evaluated: 2025-06-30. Review status: criteria provided, single submitter. Criteria: Invitae Variant Classification Sherloc (09022015). Collection method: clinical testing. Allele origin: germline.
Comment: This sequence change replaces methionine, which is neutral and non-polar, with isoleucine, which is neutral and non-polar, at codon 69 of the BBIP1 protein (p.Met69Ile). This variant is not present in population databases (gnomAD no frequency). This variant has not been reported in the literature in individuals affected with BBIP1-related conditions. An algorithm developed to predict the effect of missense changes on protein structure and function (PolyPhen-2) suggests that this variant is likely to be tolerated. In summary, the available evidence is currently insufficient to determine the role of this variant in disease. Therefore, it has been classified as a Variant of Uncertain Significance.